The following is an entry in ClinVar:

ClinVar aggregate classification (germline): Uncertain significance (1 of 4 stars; one submission).

Conditions:
Methylmalonic acidemia with homocystinuria, type cblJ (MAHCJ). Also called: METHYLMALONIC ACIDURIA AND HOMOCYSTINURIA, cblJ TYPE. Identifiers: Orphanet 369955, MedGen C3553915, MONDO:0013925, OMIM 614857.

Allele frequency attached by ClinVar (database versions not stated): ExAC 0.00001; gnomAD 0.00002 and 0.00003; gnomAD exomes 0.00002 and 0.00004; TOPMed 0.00003.
gnomAD v4.1: 60 of 1,613,980 alleles (0.0037%); highest among the groups gnomAD compares: Middle Eastern, 0.016%; no homozygotes.

Submission:

Labcorp Genetics (formerly Invitae), Labcorp
Classification: Uncertain significance for Methylmalonic acidemia with homocystinuria, type cblJ. Last evaluated: 2022-03-12. Review status: criteria provided, single submitter. Criteria: Invitae Variant Classification Sherloc (09022015). Collection method: clinical testing. Allele origin: germline.
Comment: This sequence change replaces glutamic acid, which is acidic and polar, with lysine, which is basic and polar, at codon 366 of the ABCD4 protein (p.Glu366Lys). This variant is present in population databases (rs771010169, gnomAD 0.006%). This variant has not been reported in the literature in individuals affected with ABCD4-related conditions. Advanced modeling of protein sequence and biophysical properties (such as structural, functional, and spatial information, amino acid conservation, physicochemical variation, residue mobility, and thermodynamic stability) performed at Invitae indicates that this missense variant is not expected to disrupt ABCD4 protein function. In summary, the available evidence is currently insufficient to determine the role of this variant in disease. Therefore, it has been classified as a Variant of Uncertain Significance.

NM_005050.4(ABCD4):c.1096G>A (p.Glu366Lys)

Gene: ABCD4 (ATP binding cassette subfamily D member 4; minus strand). Cytogenetic location: 14q24.3.
Variant type: single nucleotide variant.
Coding change: c.1096G>A on transcript NM_005050.4 (MANE Select); coding-DNA position 1096, G replaced by A.
Protein change: p.Glu366Lys; replaces glutamic acid 366 with lysine.
Molecular consequence: missense variant. On other transcripts: non-coding transcript variant (10).
Genome position (GRCh38, 1-based): chr14:74,292,309, C>T on the plus strand (G>A on the coding strand, the complement: ABCD4 is on the minus strand). VCF-style: chr14-74292309-C-T. GRCh37 (hg19) VCF-style: chr14-74759012-C-T.
Other names: c.970G>A, p.Glu324Lys (NM_001353591.2, NM_001353592.2); c.835G>A, p.Glu279Lys (NM_001353593.2); c.784G>A, p.Glu262Lys (NM_001353594.2); c.682G>A, p.Glu228Lys (NM_001353595.2, NM_001353596.2); c.631G>A, p.Glu211Lys (NM_001353597.2); c.619G>A, p.Glu207Lys (NM_001353598.2, NM_001353599.2, NM_001353600.2 and 2 more transcripts); c.307G>A, p.Glu103Lys (NM_001353602.2, NM_001353603.2, NM_001353604.2 and 6 more transcripts); c.1096G>A, p.Glu366Lys (NM_020325.3); short protein forms E103K, E211K, E262K, E207K, E366K, E228K, E279K, E324K.
Identifiers: ClinVar variation 1418157 (VCV001418157.5), dbSNP rs771010169, ClinGen allele CA7266936.
Genomic context (GRCh38, chr14:74,292,309, plus strand): 5'-TGCAGCCTCAACTACTGCTCTGCCAGCCCGCTACTCACGTGTCCAAGCCCCACTCGCTCT[C>T]GCCCAGGATCTCGCAGTCCTGTGACTTCAGGGACATGTCCAGAAGCGTCTCCCGAAGCTG-3'
Protein context (NP_005041.1, residues 356-376): LKSQDCEILG[Glu366Lys]SEWGLDTPPG